The following is an entry in ClinVar:

NM_004415.4(DSP):c.8610G>A (p.Gly2870=)

Gene: DSP (desmoplakin; plus strand). Cytogenetic location: 6p24.3.
Variant type: single nucleotide variant.
Coding change: c.8610G>A on transcript NM_004415.4 (MANE Select); coding-DNA position 8610, G replaced by A.
Protein change: p.Gly2870=; no amino-acid change (glycine 2870 retained).
Molecular consequence: synonymous variant.
Genome position (GRCh38, 1-based): chr6:7,585,872, G>A. VCF-style: chr6-7585872-G-A. GRCh37 (hg19) VCF-style: chr6-7586105-G-A.
Other names: c.6813G>A, p.Gly2271= (NM_001008844.3); c.7281G>A, p.Gly2427= (NM_001319034.2).
Identifiers: ClinVar variation 918774 (VCV000918774.14), dbSNP rs910215418, ClinGen allele CA133978444.

ClinVar aggregate classification (germline): Likely benign. Review status: criteria provided, multiple submitters, no conflicts (2 of 4 stars). 4 submissions from 4 submitters: Likely benign (4). Last evaluated 2024-09-20.

Conditions:
Arrhythmogenic cardiomyopathy with wooly hair and keratoderma. Also called: PALMOPLANTAR KERATODERMA WITH LEFT VENTRICULAR CARDIOMYOPATHY AND WOOLLY HAIR; Carvajal syndrome; Dilated cardiomyopathy with woolly hair and keratoderma; Arrhythmogenic cardiomyopathy with woolly hair and keratoderma. Identifiers: Orphanet 65282, MedGen C1854063, MONDO:0011581, OMIM 605676.
Arrhythmogenic right ventricular dysplasia 8 (ARVD8). Also called: Arrhythmogenic Right Ventricular Dysplasia/Cardiomyopathy 8; ARRHYTHMOGENIC RIGHT VENTRICULAR DYSPLASIA, FAMILIAL, 8; ARRHYTHMOGENIC RIGHT VENTRICULAR CARDIOMYOPATHY 8. Identifiers: MedGen C1843896, MONDO:0011831, OMIM 607450.
Cardiovascular phenotype. Identifiers: MedGen CN230736.
Cardiomyopathy (CMYO). Also called: Cardiomyopathies. Identifiers: Orphanet 167848, MedGen C0878544, MONDO:0004994, HP:0001638. Inheritance: Various modes of inheritance.

Allele frequency attached by ClinVar (database versions not stated): gnomAD exomes below 0.00001 and 0.00001; gnomAD 0.00001; TOPMed 0.00002.
gnomAD v4.1: 8 of 1,613,678 alleles (0.0005%); highest among the groups gnomAD compares: Non-Finnish European, 0.00068%; no homozygotes.

Submissions (4):

Ambry Genetics
Classification: Likely benign for Cardiovascular phenotype. Last evaluated: 2024-09-20. Review status: criteria provided, single submitter. Criteria: Ambry Variant Classification Scheme 2023. Collection method: clinical testing. Allele origin: germline.

Labcorp Genetics (formerly Invitae), Labcorp
Classification: Likely benign for Arrhythmogenic cardiomyopathy with wooly hair and keratoderma; Arrhythmogenic right ventricular dysplasia 8. Last evaluated: 2024-07-30. Review status: criteria provided, single submitter. Criteria: Invitae Variant Classification Sherloc (09022015). Collection method: clinical testing. Allele origin: germline.

All of Us Research Program, National Institutes of Health
Classification: Likely benign for Arrhythmogenic cardiomyopathy with wooly hair and keratoderma. Last evaluated: 2024-07-20. Review status: criteria provided, single submitter. Criteria: ACMG Guidelines, 2015. Collection method: clinical testing. Allele origin: germline. Inheritance: Autosomal dominant inheritance. Observed: 7 variant alleles, 7 heterozygotes.
Comment: This study involves interpretation of variants in research participants for the purpose of population health screening. Participant phenotype was not available at the time of variant classification. Additional details can be found in publication PMID: 35346344, PMCID: PMC8962531

Color Diagnostics, LLC DBA Color Health
Classification: Likely benign for Cardiomyopathy. Last evaluated: 2018-11-30. Review status: criteria provided, single submitter. Criteria: ACMG Guidelines, 2015. Collection method: clinical testing. Allele origin: germline.